The following is an entry in ClinVar:

ClinVar aggregate classification (germline): Pathogenic (0 of 4 stars; one submission).

Conditions:
Spondyloepimetaphyseal dysplasia, di rocco type. Identifiers: MedGen C4693799, MONDO:0060702, OMIM 617974.

Submission:

Center for Human Genetics and Genomic Medicine, Uniklinik Rwth Aachen
Classification: Pathogenic for Spondyloepimetaphyseal dysplasia, di rocco type. Last evaluated: 2021-05-17. Review status: no assertion criteria provided. Collection method: clinical testing. Allele origin: de novo. Inheritance: Autosomal dominant inheritance. Affected: yes. Observed: 1 variant allele, 1 heterozygote.
Comment: confirmed de novo

NM_018359.5(UFSP2):c.905G>C (p.Cys302Ser)

Gene: UFSP2 (UFM1 specific peptidase 2; minus strand). Cytogenetic location: 4q35.1.
Variant type: single nucleotide variant.
Coding change: c.905G>C on transcript NM_018359.5 (MANE Select); coding-DNA position 905, G replaced by C.
Protein change: p.Cys302Ser; replaces cysteine 302 with serine.
Molecular consequence: missense variant. On other transcripts: non-coding transcript variant (2).
Genome position (GRCh38, 1-based): chr4:185,408,362, C>G on the plus strand (G>C on the coding strand, the complement: UFSP2 is on the minus strand). VCF-style: chr4-185408362-C-G. GRCh37 (hg19) VCF-style: chr4-186329516-C-G.
Other names: short protein forms C302S.
Identifiers: ClinVar variation 1098423 (VCV001098423.3), dbSNP rs2153279702, ClinGen allele CA358914273.
Genomic context (GRCh38, chr4:185,408,362, plus strand): 5'-CTCTCTGTGTATCCCTGATGTTTGAACCAAGAGCAGATAGTCTGCAGAGATCGATAAGCA[C>G]AGCCCCAGCCATTGTCATCTATGCGATCCTGCATATAATGATGATAGCCATATATGCCCT-3'
Protein context (NP_060829.2, residues 292-312): QDRIDDNGWG[Cys302Ser]AYRSLQTICS